The following is an entry in ClinVar:

NM_005337.5(NCKAP1L):c.869A>G (p.Tyr290Cys)

Gene: NCKAP1L (NCK associated protein 1 like; plus strand). Cytogenetic location: 12q13.2.
Variant type: single nucleotide variant.
Coding change: c.869A>G on transcript NM_005337.5 (MANE Select); coding-DNA position 869, A replaced by G.
Protein change: p.Tyr290Cys; replaces tyrosine 290 with cysteine.
Molecular consequence: missense variant.
Genome position (GRCh38, 1-based): chr12:54,512,033, A>G. VCF-style: chr12-54512033-A-G. GRCh37 (hg19) VCF-style: chr12-54905817-A-G.
Other names: c.719A>G, p.Tyr240Cys (NM_001184976.2); short protein forms Y290C, Y240C.
Identifiers: ClinVar variation 1999873 (VCV001999873.4), dbSNP rs2498586666, ClinGen allele CA385131352.
Genomic context (GRCh38, chr12:54,512,033, plus strand): 5'-GCCTCAACTCCAATAGCCAGTGCCAGAAGCTGTGGAAGCTGTGTCTGCAGGGCTCCCTCT[A>G]CATCACCCTTATCCGTGAGGATGTGCTGCAGGTGCACAAAGTCACCGAGGACCTGTTTAG-3'
Protein context (NP_005328.2, residues 280-300): LWKLCLQGSL[Tyr290Cys]ITLIREDVLQ

ClinVar aggregate classification (germline): Uncertain significance (1 of 4 stars; one submission).

Submission:

Labcorp Genetics (formerly Invitae), Labcorp
Classification: Uncertain significance. Last evaluated: 2022-05-28. Review status: criteria provided, single submitter. Criteria: Invitae Variant Classification Sherloc (09022015). Collection method: clinical testing. Allele origin: germline.
Comment: This sequence change replaces tyrosine, which is neutral and polar, with cysteine, which is neutral and slightly polar, at codon 290 of the NCKAP1L protein (p.Tyr290Cys). This variant is not present in population databases (gnomAD no frequency). This variant has not been reported in the literature in individuals affected with NCKAP1L-related conditions. Algorithms developed to predict the effect of missense changes on protein structure and function (SIFT, PolyPhen-2, Align-GVGD) all suggest that this variant is likely to be tolerated. In summary, the available evidence is currently insufficient to determine the role of this variant in disease. Therefore, it has been classified as a Variant of Uncertain Significance.